The following is an entry in ClinVar:

ClinVar aggregate classification (germline): Uncertain significance (1 of 4 stars; one submission).

gnomAD v4.1: 2 of 1,551,302 alleles (0.00013%); highest among the groups gnomAD compares: Non-Finnish European, 0.00017%; no homozygotes.

Submission:

Labcorp Genetics (formerly Invitae), Labcorp
Classification: Uncertain significance. Last evaluated: 2021-11-15. Review status: criteria provided, single submitter. Criteria: Invitae Variant Classification Sherloc (09022015). Collection method: clinical testing. Allele origin: germline.
Comment: This variant has not been reported in the literature in individuals affected with SLC24A1-related conditions. Algorithms developed to predict the effect of missense changes on protein structure and function output the following: SIFT: "Tolerated"; PolyPhen-2: "Benign"; Align-GVGD: "Class C0". The aspartic acid amino acid residue is found in multiple mammalian species, which suggests that this missense change does not adversely affect protein function. In summary, the available evidence is currently insufficient to determine the role of this variant in disease. Therefore, it has been classified as a Variant of Uncertain Significance. This sequence change replaces glycine, which is neutral and non-polar, with aspartic acid, which is acidic and polar, at codon 823 of the SLC24A1 protein (p.Gly823Asp). This variant is not present in population databases (gnomAD no frequency).

NM_004727.3(SLC24A1):c.2468G>A (p.Gly823Asp)

Gene: SLC24A1 (solute carrier family 24 member 1; plus strand). Cytogenetic location: 15q22.31.
Variant type: single nucleotide variant.
Coding change: c.2468G>A on transcript NM_004727.3 (MANE Select); coding-DNA position 2468, G replaced by A.
Protein change: p.Gly823Asp; replaces glycine 823 with aspartic acid.
Molecular consequence: missense variant.
Genome position (GRCh38, 1-based): chr15:65,650,617, G>A. VCF-style: chr15-65650617-G-A. GRCh37 (hg19) VCF-style: chr15-65942955-G-A.
Other names: c.449G>A, p.Gly150Asp (NM_001254740.2); c.2468G>A, p.Gly823Asp (NM_001301031.1); c.2414G>A, p.Gly805Asp (NM_001301032.1, NM_001301033.2); short protein forms G823D, G805D, G150D.
Identifiers: ClinVar variation 1368204 (VCV001368204.6), dbSNP rs925092260, ClinGen allele CA392899427.
Genomic context (GRCh38, chr15:65,650,617, plus strand): 5'-AAGGAGACAATGAAGGTGAAGATGAGGGTGAAATCCACGCAGAAGATGGTGAAATGAAAG[G>A]TAATGAAGGTGAAACTGAAAGCCAGGAACTCAGTGCTGAAAATCACGGTGAAGCCAAAAA-3'
Protein context (NP_004718.1, residues 813-833): EIHAEDGEMK[Gly823Asp]NEGETESQEL